The following is an entry in ClinVar:

ClinVar aggregate classification (germline): Likely benign. Review status: criteria provided, multiple submitters, no conflicts (2 of 4 stars). 5 submissions from 5 submitters: Likely benign (4). 1 of the submissions does not count toward it. Last evaluated 2026-01-11.

Conditions:
ACAD9-related disorder. Also called: ACAD9-related condition.

Allele frequency attached by ClinVar (database versions not stated): gnomAD exomes 0.00005 and 0.00007; ExAC 0.00008; gnomAD 0.00027 and 0.00031; TOPMed 0.00033; ESP Exome Variant Server 0.00038; 1000 Genomes Project 0.00060; 1000 Genomes Project 30x 0.00062.
gnomAD v4.1: 156 of 1,614,190 alleles (0.0097%); highest among the groups gnomAD compares: African/African-American, 0.13%; no homozygotes.

Submissions (5):

Labcorp Genetics (formerly Invitae), Labcorp
Classification: Likely benign. Last evaluated: 2026-01-11. Review status: criteria provided, single submitter. Criteria: Invitae Variant Classification Sherloc (09022015). Collection method: clinical testing. Allele origin: germline.

Mayo Clinic Laboratories, Mayo Clinic
Classification: Likely benign. Last evaluated: 2025-04-09. Review status: criteria provided, single submitter. Criteria: ACMG Guidelines, 2015. Collection method: clinical testing. Allele origin: germline. Observed: 2 variant alleles.
Comment: BP4, BP7

Blueprint Genetics
Classification: Likely benign. Last evaluated: 2024-09-16. Review status: criteria provided, single submitter. Criteria: ACMG Guidelines, 2015. Collection method: clinical testing. Allele origin: germline.

GeneDx
Classification: Likely benign. Last evaluated: 2020-08-17. Review status: criteria provided, single submitter. Criteria: GeneDx Variant Classification Process June 2021. Collection method: clinical testing. Allele origin: germline. Affected: yes.

PreventionGenetics, part of Exact Sciences
Classification: Likely benign for ACAD9-related condition. Last evaluated: 2019-10-01. Review status: no assertion criteria provided. Collection method: clinical testing. Allele origin: germline. Not counted in ClinVar's aggregate classification.
Comment: This variant is classified as likely benign based on ACMG/AMP sequence variant interpretation guidelines (Richards et al. 2015 PMID: 25741868, with internal and published modifications).

NM_014049.5(ACAD9):c.513C>T (p.Ser171=)

Gene: ACAD9 (acyl-CoA dehydrogenase family member 9; plus strand). Cytogenetic location: 3q21.3.
Variant type: single nucleotide variant.
Coding change: c.513C>T on transcript NM_014049.5 (MANE Select); coding-DNA position 513, C replaced by T.
Protein change: p.Ser171=; no amino-acid change (serine 171 retained).
Molecular consequence: synonymous variant. On other transcripts: non-coding transcript variant (1).
Genome position (GRCh38, 1-based): chr3:128,896,495, C>T. VCF-style: chr3-128896495-C-T. GRCh37 (hg19) VCF-style: chr3-128615338-C-T.
Other names: p.Ser171=.
Identifiers: ClinVar variation 507543 (VCV000507543.19), dbSNP rs111716284, ClinGen allele CA2601175.